The following is an entry in ClinVar:

NM_033400.3(ZFHX2):c.2114C>A (p.Pro705His)

Genes: THTPA (thiamine triphosphatase; plus strand), ZFHX2 (zinc finger homeobox 2; minus strand). Cytogenetic location: 14q11.2.
Variant type: single nucleotide variant.
Coding change: c.2114C>A on transcript NM_033400.3 (MANE Select); coding-DNA position 2114, C replaced by A.
Protein change: p.Pro705His; replaces proline 705 with histidine.
Molecular consequence: missense variant.
Genome position (GRCh38, 1-based): chr14:23,533,012, G>T on the plus strand (C>A on the coding strand, the complement: ZFHX2 is on the minus strand). VCF-style: chr14-23533012-G-T. GRCh37 (hg19) VCF-style: chr14-24002221-G-T.
Other names: short protein forms P705H.
Identifiers: ClinVar variation 2395381 (VCV002395381.13), dbSNP rs773850439, ClinGen allele CA257797511.
Genomic context (GRCh38, chr14:23,533,012, plus strand): 5'-TGGCACACTAGGCAGCGGAACACCTTCAGGGACAGGCTGTCGTCTGGGGGTGGTGAGGTG[G>T]GCAGGCTGTCAGATGAGGAACCCAGGAGCTGACTTGGAGGCAGGTGGGCATCAGGGGATA-3'
Protein context (NP_207646.2, residues 695-715): QLLGSSSDSL[Pro705His]TSPPPDDSLS

ClinVar aggregate classification (germline): Conflicting classifications of pathogenicity. Review status: criteria provided, conflicting classifications (1 of 4 stars). 2 submissions from 2 submitters: Uncertain significance (1); Likely benign (1). Last evaluated 2026-02-01.

Allele frequency attached by ClinVar (database versions not stated): TOPMed 0.00002; gnomAD 0.00003.
gnomAD v4.1: 117 of 1,535,992 alleles (0.0076%); highest among the groups gnomAD compares: Non-Finnish European, 0.0087%; no homozygotes.

Submissions (2):

CeGaT Center for Human Genetics Tuebingen
Classification: Likely benign. Last evaluated: 2026-02-01. Review status: criteria provided, single submitter. Criteria: CeGaT Center For Human Genetics Tuebingen Variant Classification Criteria Version 2. Collection method: clinical testing. Allele origin: germline. Affected: yes. Observed: 2 variant alleles.
Comment: ZFHX2: BP4

Ambry Genetics
Classification: Uncertain significance. Last evaluated: 2025-06-18. Review status: criteria provided, single submitter. Criteria: Ambry Variant Classification Scheme 2023. Collection method: clinical testing. Allele origin: germline.